The following is an entry in ClinVar:

ClinVar aggregate classification (germline): Uncertain significance (1 of 4 stars; one submission).

Conditions:
Sulfite oxidase deficiency due to molybdenum cofactor deficiency type C. Also called: Molybdenum cofactor deficiency, complementation group C; Molybdenum cofactor deficiency C. Identifiers: Orphanet 308400, Orphanet 833, MedGen C1854990, MONDO:0014212, OMIM 615501.

gnomAD v4.1: 18 of 1,613,248 alleles (0.0011%); highest among the groups gnomAD compares: Admixed American, 0.0017%; no homozygotes.

Submission:

Labcorp Genetics (formerly Invitae), Labcorp
Classification: Uncertain significance for Sulfite oxidase deficiency due to molybdenum cofactor deficiency type C. Last evaluated: 2025-03-03. Review status: criteria provided, single submitter. Criteria: Invitae Variant Classification Sherloc (09022015). Collection method: clinical testing. Allele origin: germline.
Comment: This sequence change replaces arginine, which is basic and polar, with glutamine, which is neutral and polar, at codon 479 of the GPHN protein (p.Arg479Gln). This variant is present in population databases (rs375788848, gnomAD 0.003%). This variant has not been reported in the literature in individuals affected with GPHN-related conditions. Invitae Evidence Modeling of protein sequence and biophysical properties (such as structural, functional, and spatial information, amino acid conservation, physicochemical variation, residue mobility, and thermodynamic stability) indicates that this missense variant is not expected to disrupt GPHN protein function with a negative predictive value of 80%. In summary, the available evidence is currently insufficient to determine the role of this variant in disease. Therefore, it has been classified as a Variant of Uncertain Significance.

NM_020806.5(GPHN):c.1436G>A (p.Arg479Gln)

Gene: GPHN (gephyrin; plus strand). Cytogenetic location: 14q23.3.
Variant type: single nucleotide variant.
Coding change: c.1436G>A on transcript NM_020806.5 (MANE Select); coding-DNA position 1436, G replaced by A.
Protein change: p.Arg479Gln; replaces arginine 479 with glutamine.
Molecular consequence: missense variant.
Genome position (GRCh38, 1-based): chr14:67,111,883, G>A. VCF-style: chr14-67111883-G-A. GRCh37 (hg19) VCF-style: chr14-67578600-G-A.
Other names: c.1337G>A, p.Arg446Gln (NM_001024218.2); c.1496G>A, p.Arg499Gln (NM_001377514.1); c.1466G>A, p.Arg489Gln (NM_001377515.1); c.1457G>A, p.Arg486Gln (NM_001377516.1); c.1409G>A, p.Arg470Gln (NM_001377517.1); c.1394G>A, p.Arg465Gln (NM_001377518.1); c.1376G>A, p.Arg459Gln (NM_001377519.1); short protein forms R446Q, R459Q, R465Q, R470Q, R479Q, R486Q, R489Q, R499Q.
Identifiers: ClinVar variation 3613147 (VCV003613147.2).